The following is an entry in ClinVar:

NM_001451.3(FOXF1):c.47_48insGCGGCGGCGGCGGGGGAG (p.Gly16_Gly17insArgArgArgArgGlySer)

Gene: FOXF1 (forkhead box F1; plus strand). Cytogenetic location: 16q24.1.
Variant type: Microsatellite.
Coding change: c.47_48insGCGGCGGCGGCGGGGGAG on transcript NM_001451.3 (MANE Select); coding-DNA positions 47 to 48, GCGGCGGCGGCGGGGGAG inserted.
Protein change: p.Gly16_Gly17insArgArgArgArgGlySer.
Molecular consequence: inframe insertion.
Genome position: GRCh38 VCF-style: chr16-86510615-G-GGGCGGCGGCGGCGGGGGA. GRCh37 (hg19) VCF-style: chr16-86544221-G-GGGCGGCGGCGGCGGGGGA.
Identifiers: ClinVar variation 2500034 (VCV002500034.1), dbSNP rs2507450043.
Genomic context (GRCh38, chr16:86,510,615, plus strand): 5'-GGCAGCAGCCACCCGATGTCTTCGGCGCCCGAGAAGCAGCAGCCACCGCACGGCGGCGGC[G>GGGCGGCGGCGGCGGGGGA]GCGGCGGCGGCGGGGGAGGCGGCGCGGCCATGGACCCCGCGTCGTCCGGCCCGTCCAAGG-3'

ClinVar aggregate classification (germline): Uncertain significance (1 of 4 stars; one submission).

Conditions:
Alveolar capillary dysplasia with pulmonary venous misalignment. Also called: Congenital alveolar capillary dysplasia; Alveolar capillary dysplasia with misalignment of pulmonary veins; ALVEOLAR CAPILLARY DYSPLASIA WITH MISALIGNMENT OF PULMONARY VEINS AND OTHER CONGENITAL ANOMALIES. Identifiers: Orphanet 210122, MedGen C2960310, MONDO:0009934, OMIM 265380.

Submission:

Center for Genomics, Ann and Robert H. Lurie Children's Hospital of Chicago
Classification: Uncertain significance for Alveolar capillary dysplasia with pulmonary venous misalignment. Last evaluated: 2021-03-30. Review status: criteria provided, single submitter. Criteria: ACMG Guidelines, 2015. Collection method: clinical testing. Allele origin: germline.
Comment: FOXF1 NM_001451.2 exon 1 p.Gly18_Gly23dup (c.53_70dup): This variant has not been reported in the literature but is present in 1/8594 African alleles in the Genome Aggregation Database. Evolutionary conservation and computational predictive tools for this variant are limited or unavailable. This variant represents an in-frame duplication resulting in the addition of 6 amino acids within a repeat region of glycines at position 18, and is not predicted to alter the reading frame. However, the effect of this variant on the protein is unclear. In summary, data on this variant is insufficient for disease classification. Therefore, the clinical significance of this variant is uncertain.